The following is an entry in ClinVar:

NM_006767.4(LZTR1):c.2307G>A (p.Thr769=)

Gene: LZTR1 (leucine zipper like post translational regulator 1; plus strand). Cytogenetic location: 22q11.21.
Variant type: single nucleotide variant.
Coding change: c.2307G>A on transcript NM_006767.4 (MANE Select); coding-DNA position 2307, G replaced by A.
Protein change: p.Thr769=; no amino-acid change (threonine 769 retained).
Molecular consequence: synonymous variant.
Genome position (GRCh38, 1-based): chr22:20,996,783, G>A. VCF-style: chr22-20996783-G-A. GRCh37 (hg19) VCF-style: chr22-21351072-G-A.
Identifiers: ClinVar variation 1642154 (VCV001642154.36), dbSNP rs201831578, ClinGen allele CA10119336.
Genomic context (GRCh38, chr22:20,996,783, plus strand): 5'-CGGCTTCTACAACAACCGGCTGCAGGCGTACTGCAAGCAGAACCTGGAGATGAACGTGAC[G>A]GTGCAGAACGTGCTGCAGGTAGCCCCCCAGCCCCGTGCACATGGCTGCAGCTCCCACTGA-3'
Protein context (NP_006758.2, residues 759-779): YCKQNLEMNV[Thr769=]VQNVLQILEA

ClinVar aggregate classification (germline): Likely benign. Review status: criteria provided, multiple submitters, no conflicts (2 of 4 stars). 4 submissions from 4 submitters: Likely benign (4). Last evaluated 2025-10-23.

Conditions:
Hereditary cancer-predisposing syndrome. Also called: Hereditary Cancer Syndrome; Neoplastic Syndromes, Hereditary; Hereditary neoplastic syndrome; Tumor predisposition. Identifiers: Orphanet 140162, MedGen C0027672, MeSH D009386, MONDO:0015356.
Cardiovascular phenotype. Identifiers: MedGen CN230736.
LZTR1-related disorder. Also called: LZTR1-related disorders; LZTR1-related condition.

Allele frequency attached by ClinVar (database versions not stated): TOPMed 0.00003; ESP Exome Variant Server 0.00008; ExAC 0.00002; gnomAD 0.00002.
gnomAD v4.1: 22 of 1,613,500 alleles (0.0014%); highest among the groups gnomAD compares: African/African-American, 0.0067%; no homozygotes.

Submissions (4):

Labcorp Genetics (formerly Invitae), Labcorp
Classification: Likely benign. Last evaluated: 2025-10-23. Review status: criteria provided, single submitter. Criteria: Invitae Variant Classification Sherloc (09022015). Collection method: clinical testing. Allele origin: germline.

PreventionGenetics, part of Exact Sciences
Classification: Likely benign for LZTR1-related condition. Last evaluated: 2025-02-08. Review status: criteria provided, single submitter. Criteria: ACMG Guidelines, 2015. Collection method: clinical testing. Allele origin: germline.
Comment: This variant is classified as likely benign based on ACMG/AMP sequence variant interpretation guidelines (Richards et al. 2015 PMID: 25741868, with internal and published modifications).

CeGaT Center for Human Genetics Tuebingen
Classification: Likely benign. Last evaluated: 2023-09-01. Review status: criteria provided, single submitter. Criteria: CeGaT Center For Human Genetics Tuebingen Variant Classification Criteria Version 2. Collection method: clinical testing. Allele origin: germline. Affected: yes. Observed: 1 variant allele.
Comment: LZTR1: BP4, BP7

Ambry Genetics
Classification: Likely benign for Cardiovascular phenotype; Hereditary cancer-predisposing syndrome. Last evaluated: 2020-08-24. Review status: criteria provided, single submitter. Criteria: Ambry Variant Classification Scheme 2023. Collection method: clinical testing. Allele origin: germline.